The following is an entry in ClinVar:

ClinVar aggregate classification (germline): Uncertain significance (1 of 4 stars; one submission).

Conditions:
Glycogen storage disease due to muscle and heart glycogen synthase deficiency. Also called: GSD 0b; MUSCLE GLYCOGEN SYNTHASE DEFICIENCY. Identifiers: Orphanet 137625, MedGen C1969054, MONDO:0012693, OMIM 611556.

Submission:

Labcorp Genetics (formerly Invitae), Labcorp
Classification: Uncertain significance for Glycogen storage disease due to muscle and heart glycogen synthase deficiency. Last evaluated: 2019-03-26. Review status: criteria provided, single submitter. Criteria: Invitae Variant Classification Sherloc (09022015). Collection method: clinical testing. Allele origin: germline.
Comment: Algorithms developed to predict the effect of missense changes on protein structure and function are either unavailable or do not agree on the potential impact of this missense change (SIFT: "Deleterious"; PolyPhen-2: "Possibly Damaging"; Align-GVGD: "Class C0"). This variant has not been reported in the literature in individuals with GYS1-related conditions. This variant is not present in population databases (ExAC no frequency). This sequence change replaces glutamic acid with valine at codon 235 of the GYS1 protein (p.Glu235Val). The glutamic acid residue is moderately conserved and there is a moderate physicochemical difference between glutamic acid and valine. In summary, the available evidence is currently insufficient to determine the role of this variant in disease. Therefore, it has been classified as a Variant of Uncertain Significance. Algorithms developed to predict the effect of sequence changes on RNA splicing suggest that this variant may create or strengthen a splice site, but this prediction has not been confirmed by published transcriptional studies.

NM_002103.5(GYS1):c.704A>T (p.Glu235Val)

Gene: GYS1 (glycogen synthase 1; minus strand). Cytogenetic location: 19q13.33.
Variant type: single nucleotide variant.
Coding change: c.704A>T on transcript NM_002103.5 (MANE Select); coding-DNA position 704, A replaced by T.
Protein change: p.Glu235Val; replaces glutamic acid 235 with valine.
Molecular consequence: missense variant. On other transcripts: non-coding transcript variant (1).
Genome position (GRCh38, 1-based): chr19:48,985,580, T>A on the plus strand (A>T on the coding strand, the complement: GYS1 is on the minus strand). VCF-style: chr19-48985580-T-A. GRCh37 (hg19) VCF-style: chr19-49488837-T-A.
Other names: c.512A>T, p.Glu171Val (NM_001161587.2); short protein forms E171V, E235V.
Identifiers: ClinVar variation 856687 (VCV000856687.9), dbSNP rs2038830108, ClinGen allele CA406764779.
Genomic context (GRCh38, chr19:48,985,580, plus strand): 5'-AAGACGTGAGCGCAGTGGGCTGCCGCCCTTTCCATGCAGTATCGGTGGTAGATCTGCCTC[T>A]CCCCTGCTTCCTTGTCCACGTTGAACTGGGTGGGAGGGGACAGCAGTCCGGTTAGAAGGA-3'
Protein context (NP_002094.2, residues 225-245): ENFNVDKEAG[Glu235Val]RQIYHRYCME